The following is an entry in ClinVar:

NM_015909.4(NBAS):c.5740C>T (p.Arg1914Cys)

Gene: NBAS (NBAS subunit of NRZ tethering complex; minus strand). Cytogenetic location: 2p24.3.
Variant type: single nucleotide variant.
Coding change: c.5740C>T on transcript NM_015909.4 (MANE Select); coding-DNA position 5740, C replaced by T.
Protein change: p.Arg1914Cys; replaces arginine 1914 with cysteine.
Molecular consequence: missense variant. On other transcripts: non-coding transcript variant (1).
Genome position (GRCh38, 1-based): chr2:15,238,671, G>A on the plus strand (C>T on the coding strand, the complement: NBAS is on the minus strand). VCF-style: chr2-15238671-G-A. GRCh37 (hg19) VCF-style: chr2-15378795-G-A.
Other names: c.5740C>T (NM_015909.3); short protein forms R1914C.
Identifiers: ClinVar variation 2981248 (VCV002981248.5), dbSNP rs1667718178, ClinGen allele CA345892234.

ClinVar aggregate classification (germline): Conflicting classifications of pathogenicity. Review status: criteria provided, conflicting classifications (1 of 4 stars). 3 submissions from 3 submitters: Likely pathogenic (1); Uncertain significance (2). Last evaluated 2025-04-17.

Conditions:
Short stature-optic atrophy-Pelger-Huët anomaly syndrome. Also called: Short stature-optic atrophy-Pelger-HuC+t anomaly syndrome; Short stature, optic nerve atrophy, and Pelger-Huet anomaly. Identifiers: Orphanet 391677, MedGen C3541319, MONDO:0013889, OMIM 614800.

Allele frequency attached by ClinVar (database versions not stated): TOPMed below 0.00001; gnomAD 0.00001; gnomAD exomes 0.00001.
gnomAD v4.1: 11 of 1,592,052 alleles (0.00069%); highest among the groups gnomAD compares: Non-Finnish European, 0.00094%; no homozygotes.

Submissions (3):

Labcorp Genetics (formerly Invitae), Labcorp
Classification: Uncertain significance. Last evaluated: 2025-04-17. Review status: criteria provided, single submitter. Criteria: Invitae Variant Classification Sherloc (09022015). Collection method: clinical testing. Allele origin: germline.
Comment: This sequence change replaces arginine, which is basic and polar, with cysteine, which is neutral and slightly polar, at codon 1914 of the NBAS protein (p.Arg1914Cys). This variant is not present in population databases (gnomAD no frequency). This missense change has been observed in individual(s) with SOPH syndrome (PMID: 34110364). In at least one individual the data is consistent with being in trans (on the opposite chromosome) from a pathogenic variant. ClinVar contains an entry for this variant (Variation ID: 2981248). Invitae Evidence Modeling of protein sequence and biophysical properties (such as structural, functional, and spatial information, amino acid conservation, physicochemical variation, residue mobility, and thermodynamic stability) has been performed for this missense variant. However, the output from this modeling did not meet the statistical confidence thresholds required to predict the impact of this variant on NBAS protein function. This variant disrupts the p.Arg1914 amino acid residue in NBAS. Other variant(s) that disrupt this residue have been determined to be pathogenic (PMID: 20577004, 24884844, 27789416, 28031453, 28115293, 28425089). This suggests that this residue is clinically significant, and that variants that disrupt this residue are likely to be disease-causing. In summary, the available evidence is currently insufficient to determine the role of this variant in disease. Therefore, it has been classified as a Variant of Uncertain Significance.

GeneDx
Classification: Likely pathogenic. Last evaluated: 2024-10-18. Review status: criteria provided, single submitter. Criteria: GeneDx Variant Classification Process June 2021. Collection method: clinical testing. Allele origin: germline. Affected: yes.
Comment: Not observed at significant frequency in large population cohorts (gnomAD); In silico analysis supports that this missense variant has a deleterious effect on protein structure/function; This variant is associated with the following publications: (PMID: 38819824, 36479642, 34110364, 32812336)

3billion
Classification: Uncertain significance for Short stature-optic atrophy-Pelger-Huët anomaly syndrome. Last evaluated: 2024-06-17. Review status: criteria provided, single submitter. Criteria: ACMG Guidelines, 2015. Collection method: clinical testing. Allele origin: germline. Affected: yes.
Comment: The variant is observed at an extremely low frequency in the gnomAD v4.0.0 dataset (total allele frequency: <0.001%). Predicted Consequence/Location: The majority of the known disease-causing variants of this gene are variants expected to result in premature termination of the protein. Damaging effect on gene or gene product predicted by in silico programs is uncertain [REVEL: 0.42 (damaging >=0.6, benign <0.4)]. The same nucleotide change resulting in the same amino acid change has been previously reported to be associated with NBAS related disorder (PMID: 32812336).Different missense changes at the same codon (p.Arg1914Gly, p.Arg1914His) have been reported as pathogenic/likely pathogenic with strong evidence (ClinVar ID: VCV000037042 /PMID: 31761904). Therefore, this variant is classified as VUS according to the recommendation of ACMG/AMP guideline.

Literature cited by the submitters: PubMed 34110364 (cited by Labcorp Genetics (formerly Invitae), Labcorp); PubMed 20577004 (cited by Labcorp Genetics (formerly Invitae), Labcorp); PubMed 24884844 (cited by Labcorp Genetics (formerly Invitae), Labcorp); PubMed 27789416 (cited by Labcorp Genetics (formerly Invitae), Labcorp); PubMed 28031453 (cited by Labcorp Genetics (formerly Invitae), Labcorp); PubMed 28115293 (cited by Labcorp Genetics (formerly Invitae), Labcorp); PubMed 28425089 (cited by Labcorp Genetics (formerly Invitae), Labcorp); PubMed 31761904 (cited by 3billion); PubMed 32812336 (cited by 3billion).